The following is an entry in ClinVar:

NM_024741.3(ZNF408):c.1002A>G (p.Thr334=)

Gene: ZNF408 (zinc finger protein 408; plus strand). Cytogenetic location: 11p11.2.
Variant type: single nucleotide variant.
Coding change: c.1002A>G on transcript NM_024741.3 (MANE Select); coding-DNA position 1002, A replaced by G.
Protein change: p.Thr334=; no amino-acid change (threonine 334 retained).
Molecular consequence: synonymous variant.
Genome position (GRCh38, 1-based): chr11:46,704,702, A>G. VCF-style: chr11-46704702-A-G. GRCh37 (hg19) VCF-style: chr11-46726252-A-G.
Other names: c.978A>G, p.Thr326= (NM_001184751.2); c.1002A>G (NM_024741.2).
Identifiers: ClinVar variation 1537384 (VCV001537384.9), dbSNP rs771494000, ClinGen allele CA5966473.

ClinVar aggregate classification (germline): Likely benign. Review status: criteria provided, multiple submitters, no conflicts (2 of 4 stars). 2 submissions from 2 submitters: Likely benign (2). Last evaluated 2025-07-31.

Conditions:
ZNF408-related disorder. Also called: ZNF408-related condition.

Allele frequency attached by ClinVar (database versions not stated): TOPMed 0.00001; ExAC 0.00002; gnomAD 0.00002 and 0.00003; gnomAD exomes 0.00002.
gnomAD v4.1: 17 of 1,609,350 alleles (0.0011%); highest among the groups gnomAD compares: Non-Finnish European, 0.0013%; no homozygotes.

Submissions (2):

PreventionGenetics, part of Exact Sciences
Classification: Likely benign for ZNF408-related condition. Last evaluated: 2025-07-31. Review status: criteria provided, single submitter. Criteria: ACMG Guidelines, 2015. Collection method: clinical testing. Allele origin: germline.
Comment: This variant is classified as likely benign based on ACMG/AMP sequence variant interpretation guidelines (Richards et al. 2015 PMID: 25741868, with internal and published modifications).

Labcorp Genetics (formerly Invitae), Labcorp
Classification: Likely benign. Last evaluated: 2024-07-08. Review status: criteria provided, single submitter. Criteria: Invitae Variant Classification Sherloc (09022015). Collection method: clinical testing. Allele origin: germline.